The following is an entry in ClinVar:

ClinVar aggregate classification (germline): Uncertain significance (1 of 4 stars; one submission).

Submission:

Labcorp Genetics (formerly Invitae), Labcorp
Classification: Uncertain significance. Last evaluated: 2022-06-13. Review status: criteria provided, single submitter. Criteria: Invitae Variant Classification Sherloc (09022015). Collection method: clinical testing. Allele origin: germline.
Comment: This sequence change replaces arginine, which is basic and polar, with leucine, which is neutral and non-polar, at codon 378 of the EPHA4 protein (p.Arg378Leu). This variant is not present in population databases (gnomAD no frequency). This variant has not been reported in the literature in individuals affected with EPHA4-related conditions. Algorithms developed to predict the effect of missense changes on protein structure and function are either unavailable or do not agree on the potential impact of this missense change (SIFT: "Deleterious"; PolyPhen-2: "Benign"; Align-GVGD: "Class C15"). In summary, the available evidence is currently insufficient to determine the role of this variant in disease. Therefore, it has been classified as a Variant of Uncertain Significance.

NM_004438.5(EPHA4):c.1133G>T (p.Arg378Leu)

Gene: EPHA4 (EPH receptor A4; minus strand). Cytogenetic location: 2q36.1.
Variant type: single nucleotide variant.
Coding change: c.1133G>T on transcript NM_004438.5 (MANE Select); coding-DNA position 1133, G replaced by T.
Protein change: p.Arg378Leu; replaces arginine 378 with leucine.
Molecular consequence: missense variant.
Genome position (GRCh38, 1-based): chr2:221,482,537, C>A on the plus strand (G>T on the coding strand, the complement: EPHA4 is on the minus strand). VCF-style: chr2-221482537-C-A. GRCh37 (hg19) VCF-style: chr2-222347257-C-A.
Other names: c.1133G>T, p.Arg378Leu (NM_001363748.2, NM_001304536.2); c.980G>T, p.Arg327Leu (NM_001304537.2); short protein forms R327L, R378L.
Identifiers: ClinVar variation 1412512 (VCV001412512.6), dbSNP rs752271799, ClinGen allele CA350408401.